The following is an entry in ClinVar:

NM_001242896.3(DEPDC5):c.788_789del (p.Arg263fs)

Gene: DEPDC5 (DEP domain containing 5, GATOR1 subcomplex subunit; plus strand). Cytogenetic location: 22q12.2.
Variant type: Microsatellite.
Coding change: c.788_789del on transcript NM_001242896.3 (MANE Select); coding-DNA positions 788 to 789, 2 bases deleted (GA; older notation c.788_789delGA).
Protein change: p.Arg263fs; shifts the reading frame from arginine 263.
Molecular consequence: frameshift variant. On other transcripts: non-coding transcript variant (5).
Genome position (GRCh38, 1-based): chr22:31,797,620-31,797,621, GA deleted; deleting any 2 consecutive bases within chr22:31,797,616-31,797,621 gives the same sequence; the c. name uses the placement nearest the transcript's 3' end. VCF-style (leftmost placement, unchanged base first): chr22-31797615-TGA-T. GRCh37 (hg19) VCF-style: chr22-32193601-TGA-T.
Other names: c.788_789del, p.Arg263fs (NM_001007188.4, NM_001136029.4, NM_001242897.2 and 7 more transcripts); c.704_705del, p.Arg235fs (NM_001369901.1, NM_001369902.1); short protein forms R263fs, R235fs.
Identifiers: ClinVar variation 575084 (VCV000575084.8), dbSNP rs1569523728, ClinGen allele CA891844120.

ClinVar aggregate classification (germline): Pathogenic (1 of 4 stars; one submission).

Conditions:
Familial focal epilepsy with variable foci (FPEVF). Identifiers: Orphanet 98820, MedGen C1858477, MONDO:0020310.

Submission:

Labcorp Genetics (formerly Invitae), Labcorp
Classification: Pathogenic for Familial focal epilepsy with variable foci. Last evaluated: 2019-02-15. Review status: criteria provided, single submitter. Criteria: Invitae Variant Classification Sherloc (09022015). Collection method: clinical testing. Allele origin: germline.
Comment: This variant is not present in population databases (ExAC no frequency). This sequence change creates a premature translational stop signal (p.Arg263Lysfs*12) in the DEPDC5 gene. It is expected to result in an absent or disrupted protein product. For these reasons, this variant has been classified as Pathogenic. Loss-of-function variants in DEPDC5 are known to be pathogenic (PMID: 23542697, 23542701). This variant has not been reported in the literature in individuals with DEPDC5-related disease. ClinVar contains an entry for this variant (Variation ID: 575084).

Literature cited by the submitters: PubMed 23542697; PubMed 23542701.